The following is an entry in ClinVar:

NM_003047.5(SLC9A1):c.723G>A (p.Ala241=)

Gene: SLC9A1 (solute carrier family 9 member A1; minus strand). Cytogenetic location: 1p36.11.
Variant type: single nucleotide variant.
Coding change: c.723G>A on transcript NM_003047.5 (MANE Select); coding-DNA position 723, G replaced by A.
Protein change: p.Ala241=; no amino-acid change (alanine 241 retained).
Molecular consequence: synonymous variant.
Genome position (GRCh38, 1-based): chr1:27,113,916, C>T on the plus strand (G>A on the coding strand, the complement: SLC9A1 is on the minus strand). VCF-style: chr1-27113916-C-T. GRCh37 (hg19) VCF-style: chr1-27440407-C-T.
Other names: c.723G>A (NM_003047.4).
Identifiers: ClinVar variation 1898028 (VCV001898028.7), dbSNP rs376344736, ClinGen allele CA711279.

ClinVar aggregate classification (germline): Likely benign. Review status: criteria provided, single submitter (1 of 4 stars). 2 submissions from 2 submitters: Likely benign (1). 1 of the submissions does not count toward it. Last evaluated 2026-01-26.

Conditions:
SLC9A1-related disorder. Also called: SLC9A1-related condition.

Allele frequency attached by ClinVar (database versions not stated): gnomAD exomes 0.00001; ExAC 0.00002; gnomAD 0.00005; TOPMed 0.00005; ESP Exome Variant Server 0.00023.
gnomAD v4.1: 29 of 1,614,082 alleles (0.0018%); highest among the groups gnomAD compares: Middle Eastern, 0.016%; no homozygotes.

Submissions (2):

Labcorp Genetics (formerly Invitae), Labcorp
Classification: Likely benign. Last evaluated: 2026-01-26. Review status: criteria provided, single submitter. Criteria: Invitae Variant Classification Sherloc (09022015). Collection method: clinical testing. Allele origin: germline.

PreventionGenetics, part of Exact Sciences
Classification: Likely benign for SLC9A1-related condition. Last evaluated: 2020-08-04. Review status: no assertion criteria provided. Collection method: clinical testing. Allele origin: germline. Not counted in ClinVar's aggregate classification.
Comment: This variant is classified as likely benign based on ACMG/AMP sequence variant interpretation guidelines (Richards et al. 2015 PMID: 25741868, with internal and published modifications).